The following is an entry in ClinVar:

ClinVar aggregate classification (germline): Likely benign. Review status: criteria provided, single submitter (1 of 4 stars). 2 submissions from 2 submitters: Likely benign (1). 1 of the submissions does not count toward it. Last evaluated 2023-06-05.

Conditions:
Wilson disease (WND). Also called: Wilson's disease. Identifiers: Orphanet 905, MedGen C0019202, MONDO:0010200, OMIM 277900. Disease mechanism: loss of function.
ATP7B-related disorder. Also called: ATP7B-related condition.

Allele frequency attached by ClinVar (database versions not stated): gnomAD exomes below 0.00001.
gnomAD v4.1: 2 of 1,614,030 alleles (0.00012%); highest among the groups gnomAD compares: Non-Finnish European, 0.000085%; no homozygotes.

Submissions (2):

Labcorp Genetics (formerly Invitae), Labcorp
Classification: Likely benign for Wilson disease. Last evaluated: 2023-06-05. Review status: criteria provided, single submitter. Criteria: Invitae Variant Classification Sherloc (09022015). Collection method: clinical testing. Allele origin: germline.

PreventionGenetics, part of Exact Sciences
Classification: Likely benign for ATP7B-related condition. Last evaluated: 2022-10-25. Review status: no assertion criteria provided. Collection method: clinical testing. Allele origin: germline. Not counted in ClinVar's aggregate classification.
Comment: This variant is classified as likely benign based on ACMG/AMP sequence variant interpretation guidelines (Richards et al. 2015 PMID: 25741868, with internal and published modifications).

NM_000053.4(ATP7B):c.3244-9C>T

Gene: ATP7B (ATPase copper transporting beta; minus strand). Cytogenetic location: 13q14.3.
Variant type: single nucleotide variant.
Coding change: c.3244-9C>T on transcript NM_000053.4 (MANE Select); 9 bases into the intron before coding-DNA position 3244, C replaced by T.
Molecular consequence: intron variant.
Genome position (GRCh38, 1-based): chr13:51,942,563, G>A on the plus strand (C>T on the coding strand, the complement: ATP7B is on the minus strand). VCF-style: chr13-51942563-G-A. GRCh37 (hg19) VCF-style: chr13-52516699-G-A.
Other names: c.3244-9C>T (NM_000053.3); c.2911-9C>T (NM_001243182.2); c.2623-9C>T (NM_001005918.3); c.2992-9C>T (NM_001330579.2); c.3010-9C>T (NM_001330578.2).
Identifiers: ClinVar variation 1592005 (VCV001592005.10), dbSNP rs2138859863, ClinGen allele CA2573149705.
Genomic context (GRCh38, chr13:51,942,563, plus strand): 5'-CTGGCACTGCCTGGAAGTCCGTGCAGTATCCCAAGGTCTCTGTTCCAAGTTCCTGGGAAG[G>A]TGGAAAGAGAGGAAGAGGAAACTGTAAGCCAAGAGGGGTGAAGTGAAAGGGAGGGGCAGG-3'